The following is an entry in ClinVar:

NM_001372044.2(SHANK3):c.350C>T (p.Ala117Val)

Gene: SHANK3 (SH3 and multiple ankyrin repeat domains 3; plus strand). Cytogenetic location: 22q13.33.
Variant type: single nucleotide variant.
Coding change: c.350C>T on transcript NM_001372044.2 (MANE Select); coding-DNA position 350, C replaced by T.
Protein change: p.Ala117Val; replaces alanine 117 with valine.
Molecular consequence: missense variant.
Genome position (GRCh38, 1-based): chr22:50,675,109, C>T. VCF-style: chr22-50675109-C-T. GRCh37 (hg19) VCF-style: chr22-51113537-C-T.
Other names: short protein forms A117V.
Identifiers: ClinVar variation 1695052 (VCV001695052.33), dbSNP rs1461739965, ClinGen allele CA515251170.
Genomic context (GRCh38, chr22:50,675,109, plus strand): 5'-AGTGCCTGCGCCTGGACCCGGCCGCGCCCGTGTGGGCCGCCAAGCAGCGCGTGCTCTGCG[C>T]CCTCAACCACAGCCTCCAGGACGCGCTCAACTATGGGCTTTTCCAGCCGCCCTCCCGGGG-3'
Protein context (NP_001358973.1, residues 107-127): VWAAKQRVLC[Ala117Val]LNHSLQDALN

ClinVar aggregate classification (germline): Uncertain significance. Review status: criteria provided, multiple submitters, no conflicts (2 of 4 stars). 2 submissions from 2 submitters: Uncertain significance (2). Last evaluated 2025-04-08.

Allele frequency attached by ClinVar (database versions not stated): gnomAD 0.00001; gnomAD exomes 0.00001; TOPMed 0.00001.

Submissions (2):

Dasa
Classification: Uncertain significance. Last evaluated: 2025-04-08. Review status: criteria provided, single submitter. Criteria: DASA Assertion Criteria. Collection method: clinical testing. Allele origin: germline.
Comment: NM_001372044.2(SHANK3):c.350C>T (p.Ala117Val) is a missense variant that results in the substitution of alanine with valine. This variant is rare in population databases. Computational prediction algorithms are consistent with a benign effect. The currently available literature and clinical evidence are not sufficient to establish a definitive association between this variant and the reported condition. Therefore, this variant is classified as a variant of uncertain significance.

CeGaT Center for Human Genetics Tuebingen
Classification: Uncertain significance. Last evaluated: 2022-04-01. Review status: criteria provided, single submitter. Criteria: CeGaT Center For Human Genetics Tuebingen Variant Classification Criteria Version 2. Collection method: clinical testing. Allele origin: germline. Affected: yes. Observed: 1 variant allele.
Comment: SHANK3: PP2